The following is an entry in ClinVar:

NM_003722.5(TP63):c.152G>T (p.Ser51Ile)

Gene: TP63 (tumor protein p63; plus strand). Cytogenetic location: 3q28.
Variant type: single nucleotide variant.
Coding change: c.152G>T on transcript NM_003722.5 (MANE Select); coding-DNA position 152, G replaced by T.
Protein change: p.Ser51Ile; replaces serine 51 with isoleucine.
Molecular consequence: missense variant.
Genome position (GRCh38, 1-based): chr3:189,737,829, G>T. VCF-style: chr3-189737829-G-T. GRCh37 (hg19) VCF-style: chr3-189455618-G-T.
Other names: c.152G>T, p.Ser51Ile (NM_001114978.2, NM_001114979.2, NM_001329144.2 and 1 more transcripts); c.146G>T, p.Ser49Ile (NM_001329964.2); short protein forms S51I, S49I.
Identifiers: ClinVar variation 3679380 (VCV003679380.1).

ClinVar aggregate classification (germline): Uncertain significance (1 of 4 stars; one submission).

Conditions:
TP63-Related Spectrum Disorders.

Submission:

Labcorp Genetics (formerly Invitae), Labcorp
Classification: Uncertain significance. Last evaluated: 2024-07-11. Review status: criteria provided, single submitter. Criteria: Invitae Variant Classification Sherloc (09022015). Collection method: clinical testing. Allele origin: germline.
Comment: This sequence change replaces serine, which is neutral and polar, with isoleucine, which is neutral and non-polar, at codon 51 of the TP63 protein (p.Ser51Ile). This variant is not present in population databases (gnomAD no frequency). This variant has not been reported in the literature in individuals affected with TP63-related conditions. Advanced modeling of protein sequence and biophysical properties (such as structural, functional, and spatial information, amino acid conservation, physicochemical variation, residue mobility, and thermodynamic stability) has been performed at Invitae for this missense variant, however the output from this modeling did not meet the statistical confidence thresholds required to predict the impact of this variant on TP63 protein function. In summary, the available evidence is currently insufficient to determine the role of this variant in disease. Therefore, it has been classified as a Variant of Uncertain Significance.